The following is an entry in ClinVar:

ClinVar aggregate classification (germline): not provided (0 of 4 stars; one submission).

Conditions:
Preeclampsia. Identifiers: Orphanet 275555, MedGen C0032914, MONDO:0005081, HP:0100602.

Submission:

Institute of Molecular and Cell Biology, University of Tartu
No classification provided. Condition: Preeclampsia. Review status: no classification provided. Collection method: case-control. Allele origin: unknown. Affected: yes. Study: Kasak2014.
Comment: The study aimed to determine the contribution of copy number variants in the genetic etiology of normal and complicated pregnancies. The samples represented (i) maternal blood DNA drawn from healthy pregnant women during 1st or 2nd trimester and (ii) maternal and paternal blood DNA drawn at term pregnancy cases representing normal and complicated gestations (severe preeclampsia, PE; gestational diabetes, GD; small-for-gestational age newborn, SGA; large-for-gestational age newborn, LGA). We performed CNV calling based on genome-wide genotyping dataset (Illumina HumanOmniExpress-24-v1 BeadChip) by applying three algorithms, QuantiSNP, GADA (Genome Alteration Detection Algorithm) and CNstream in parallel. The acquired CNV calls were merged with HD-CNV (Hotspot Detector for Copy Number Variants) program and only the CNVs predicted by at least two programs, were considered in subsequent analysis.

Literature cited by the submitters: PubMed 25666259.

Single allele

Variant type: Deletion.
Identifiers: ClinVar variation 156743 (VCV000156743.2).